The following is an entry in ClinVar:

ClinVar aggregate classification (germline): Benign/Likely benign. Review status: criteria provided, multiple submitters, no conflicts (2 of 4 stars). 7 submissions from 7 submitters: Benign (6); Likely benign (1). Last evaluated 2026-02-04.

Conditions:
Combined immunodeficiency due to DOCK8 deficiency (HIES2). Also called: HIES autosomal recessive; Hyper-IgE recurrent infection syndrome, autosomal recessive; HYPER-IgE SYNDROME 2, AUTOSOMAL RECESSIVE, WITH RECURRENT INFECTIONS; HYPER-IgE RECURRENT INFECTION SYNDROME 2, AUTOSOMAL RECESSIVE; DOCK8 Deficiency. Identifiers: Orphanet 217390, MedGen C4722305, MONDO:0009478, OMIM 243700.

Allele frequency attached by ClinVar (database versions not stated): gnomAD exomes 0.99594 and 0.99771; ESP Exome Variant Server 0.99677; TOPMed 0.99697; gnomAD 0.99726 and 0.99737; ExAC 0.99783; 1000 Genomes Project 0.99940; 1000 Genomes Project 30x 0.99953.
gnomAD v4.1: 1,607,906 of 1,614,220 alleles (100%); highest among the groups gnomAD compares: Middle Eastern, 100%; 800,807 homozygotes.

Submissions (7):

Labcorp Genetics (formerly Invitae), Labcorp
Classification: Benign for Combined immunodeficiency due to DOCK8 deficiency. Last evaluated: 2026-02-04. Review status: criteria provided, single submitter. Criteria: Invitae Variant Classification Sherloc (09022015). Collection method: clinical testing. Allele origin: germline.

Women's Health and Genetics/Laboratory Corporation of America, LabCorp
Classification: Benign. Last evaluated: 2026-01-21. Review status: criteria provided, single submitter. Criteria: LabCorp Variant Classification Summary - May 2015. Collection method: clinical testing. Allele origin: germline.

Blueprint Genetics
Classification: Likely benign. Last evaluated: 2024-11-27. Review status: criteria provided, single submitter. Criteria: ACMG Guidelines, 2015. Collection method: clinical testing. Allele origin: germline.

Unidad de Genómica Garrahan, Hospital de Pediatría Garrahan
Classification: Benign. Last evaluated: 2023-11-12. Review status: criteria provided, single submitter. Criteria: ACMG Guidelines, 2015. Collection method: clinical testing. Allele origin: germline. Affected: no. Observed: 96 variant alleles.
Comment: This variant is classified as Benign based on local population frequency. This variant was detected in 100% of patients studied by a panel of primary immunodeficiencies. Number of patients: 96. Only high quality variants are reported.

Genome-Nilou Lab
Classification: Benign for Combined immunodeficiency due to DOCK8 deficiency. Last evaluated: 2021-07-14. Review status: criteria provided, single submitter. Criteria: ACMG Guidelines, 2015. Collection method: clinical testing. Allele origin: germline. Affected: no.

Laboratory for Molecular Medicine, Mass General Brigham Personalized Medicine
Classification: Benign. Last evaluated: 2013-02-21. Review status: criteria provided, single submitter. Criteria: LMM Criteria. Collection method: clinical testing. Allele origin: germline. Observed: 67 variant alleles.
Comment: Phe1497Phe in exon 36 of DOCK8: This variant is not expected to have clinical si gnificance because it does not alter an amino acid residue and is not located wi thin the splice consensus sequence. It has been identified in 0.4% (38/8600) of European American chromosomes from a broad population by the NHLBI Exome Sequenc ing Project (dbSNP rs7854035).

Breakthrough Genomics
Classification: Benign. Review status: criteria provided, single submitter. Criteria: ACMG Guidelines, 2015. Collection method: not provided. Allele origin: germline. Inheritance: Autosomal recessive inheritance. Affected: yes.

NM_203447.4(DOCK8):c.4491T>C (p.Phe1497=)

Gene: DOCK8 (dedicator of cytokinesis 8; plus strand). Cytogenetic location: 9p24.3.
Variant type: single nucleotide variant.
Coding change: c.4491T>C on transcript NM_203447.4 (MANE Select); coding-DNA position 4491, T replaced by C.
Protein change: p.Phe1497=; no amino-acid change (phenylalanine 1497 retained).
Molecular consequence: synonymous variant.
Genome position (GRCh38, 1-based): chr9:429,719, T>C. VCF-style: chr9-429719-T-C. GRCh37 (hg19) VCF-style: chr9-429719-T-C.
Other names: c.4191T>C, p.Phe1397= (NM_001190458.2); c.4287T>C, p.Phe1429= (NM_001193536.2).
Identifiers: ClinVar variation 178770 (VCV000178770.20), dbSNP rs7854035, ClinGen allele CA182994.